The following is an entry in ClinVar:

ClinVar aggregate classification (germline): Likely benign (1 of 4 stars; one submission).

Allele frequency attached by ClinVar (database versions not stated): gnomAD 0.00003; TOPMed 0.00004.
gnomAD v4.1: 15 of 398,422 alleles (0.0038%); highest among the groups gnomAD compares: South Asian, 0.013%; no homozygotes.

Submission:

CeGaT Center for Human Genetics Tuebingen
Classification: Likely benign. Last evaluated: 2026-09-01. Review status: criteria provided, single submitter. Criteria: CeGaT Center For Human Genetics Tuebingen Variant Classification Criteria Version 2. Collection method: clinical testing. Allele origin: germline. Affected: yes. Observed: 2 variant alleles.
Comment: CIC: BP4, BP7

NM_001386298.1(CIC):c.654G>A (p.Pro218=)

Gene: CIC (capicua transcriptional repressor; plus strand). Cytogenetic location: 19q13.2.
Variant type: single nucleotide variant.
Coding change: c.654G>A on transcript NM_001386298.1 (MANE Select); coding-DNA position 654, G replaced by A.
Protein change: p.Pro218=; no amino-acid change (proline 218 retained).
Molecular consequence: synonymous variant.
Genome position (GRCh38, 1-based): chr19:42,272,437, G>A. VCF-style: chr19-42272437-G-A. GRCh37 (hg19) VCF-style: chr19-42776589-G-A.
Other names: c.654G>A, p.Pro218= (NM_001304815.2, NM_001379480.1, NM_001379482.1 and 1 more transcripts).
Identifiers: ClinVar variation 2649949 (VCV002649949.24), dbSNP rs553376261, ClinGen allele CA308614661.